The following is an entry in ClinVar:

NM_206933.4(USH2A):c.8545G>A (p.Gly2849Arg)

Gene: USH2A (usherin; minus strand). Cytogenetic location: 1q41.
Variant type: single nucleotide variant.
Coding change: c.8545G>A on transcript NM_206933.4 (MANE Select); coding-DNA position 8545, G replaced by A.
Protein change: p.Gly2849Arg; replaces glycine 2849 with arginine.
Molecular consequence: missense variant.
Genome position (GRCh38, 1-based): chr1:215,878,777, C>T on the plus strand (G>A on the coding strand, the complement: USH2A is on the minus strand). VCF-style: chr1-215878777-C-T. GRCh37 (hg19) VCF-style: chr1-216052119-C-T.
Other names: short protein forms G2849R.
Identifiers: ClinVar variation 1359686 (VCV001359686.8), dbSNP rs1338775991, ClinGen allele CA344830200.

ClinVar aggregate classification (germline): Uncertain significance (1 of 4 stars; one submission).

Allele frequency attached by ClinVar (database versions not stated): gnomAD exomes below 0.00001.
gnomAD v4.1: 1 of 1,613,908 alleles (0.000062%); highest among the groups gnomAD compares: South Asian, 0.0011%; no homozygotes.

Submission:

Labcorp Genetics (formerly Invitae), Labcorp
Classification: Uncertain significance. Last evaluated: 2024-01-02. Review status: criteria provided, single submitter. Criteria: Invitae Variant Classification Sherloc (09022015). Collection method: clinical testing. Allele origin: germline.
Comment: This sequence change replaces glycine, which is neutral and non-polar, with arginine, which is basic and polar, at codon 2849 of the USH2A protein (p.Gly2849Arg). This variant is present in population databases (no rsID available, gnomAD 0.003%). This variant has not been reported in the literature in individuals affected with USH2A-related conditions. ClinVar contains an entry for this variant (Variation ID: 1359686). Advanced modeling of protein sequence and biophysical properties (such as structural, functional, and spatial information, amino acid conservation, physicochemical variation, residue mobility, and thermodynamic stability) performed at Invitae indicates that this missense variant is expected to disrupt USH2A protein function with a positive predictive value of 95%. Algorithms developed to predict the effect of sequence changes on RNA splicing suggest that this variant may disrupt the consensus splice site. In summary, the available evidence is currently insufficient to determine the role of this variant in disease. Therefore, it has been classified as a Variant of Uncertain Significance.